The following is an entry in ClinVar:

NM_001195518.2(MICU1):c.162-1G>C

Gene: MICU1 (mitochondrial calcium uptake 1; minus strand). Cytogenetic location: 10q22.1.
Variant type: single nucleotide variant.
Coding change: c.162-1G>C on transcript NM_001195518.2 (MANE Select); the canonical splice acceptor site of the intron before coding-DNA position 162, G replaced by C.
Molecular consequence: splice acceptor variant.
Genome position (GRCh38, 1-based): chr10:72,563,064, C>G on the plus strand (G>C on the coding strand, the complement: MICU1 is on the minus strand). VCF-style: chr10-72563064-C-G. GRCh37 (hg19) VCF-style: chr10-74322822-C-G.
Other names: c.162-1G>C (NM_006077.4, NM_001363513.2).
Identifiers: ClinVar variation 2117717 (VCV002117717.4), dbSNP rs764467399, ClinGen allele CA209805548.

ClinVar aggregate classification (germline): Likely pathogenic (1 of 4 stars; one submission).

Submission:

Labcorp Genetics (formerly Invitae), Labcorp
Classification: Likely pathogenic. Last evaluated: 2024-10-16. Review status: criteria provided, single submitter. Criteria: Invitae Variant Classification Sherloc (09022015). Collection method: clinical testing. Allele origin: germline.
Comment: This sequence change affects an acceptor splice site in intron 2 of the MICU1 gene. It is expected to disrupt RNA splicing. Variants that disrupt the donor or acceptor splice site typically lead to a loss of protein function (PMID: 16199547), and loss-of-function variants in MICU1 are known to be pathogenic (PMID: 24336167). This variant is not present in population databases (gnomAD no frequency). This variant has not been reported in the literature in individuals affected with MICU1-related conditions. ClinVar contains an entry for this variant (Variation ID: 2117717). Algorithms developed to predict the effect of sequence changes on RNA splicing suggest that this variant may disrupt the consensus splice site. In summary, the currently available evidence indicates that the variant is pathogenic, but additional data are needed to prove that conclusively. Therefore, this variant has been classified as Likely Pathogenic.

Literature cited by the submitters: PubMed 16199547; PubMed 24336167.